The following is an entry in ClinVar:

ClinVar aggregate classification (germline): Uncertain significance (1 of 4 stars; one submission).

Allele frequency attached by ClinVar (database versions not stated): gnomAD 0.00002; gnomAD exomes 0.00002; ExAC 0.00003; ESP Exome Variant Server 0.00015.
gnomAD v4.1: 36 of 1,611,360 alleles (0.0022%); highest among the groups gnomAD compares: South Asian, 0.0077%; no homozygotes.

Submission:

Labcorp Genetics (formerly Invitae), Labcorp
Classification: Uncertain significance. Last evaluated: 2022-03-12. Review status: criteria provided, single submitter. Criteria: Invitae Variant Classification Sherloc (09022015). Collection method: clinical testing. Allele origin: germline.
Comment: In summary, the available evidence is currently insufficient to determine the role of this variant in disease. Therefore, it has been classified as a Variant of Uncertain Significance. Advanced modeling of protein sequence and biophysical properties (such as structural, functional, and spatial information, amino acid conservation, physicochemical variation, residue mobility, and thermodynamic stability) performed at Invitae indicates that this missense variant is not expected to disrupt SLC12A2 protein function. This variant has not been reported in the literature in individuals affected with SLC12A2-related conditions. This variant is present in population databases (rs371131143, gnomAD 0.005%). This sequence change replaces aspartic acid, which is acidic and polar, with asparagine, which is neutral and polar, at codon 480 of the SLC12A2 protein (p.Asp480Asn).

NM_001046.3(SLC12A2):c.1438G>A (p.Asp480Asn)

Gene: SLC12A2 (solute carrier family 12 member 2; plus strand). Cytogenetic location: 5q23.3.
Variant type: single nucleotide variant.
Coding change: c.1438G>A on transcript NM_001046.3 (MANE Select); coding-DNA position 1438, G replaced by A.
Protein change: p.Asp480Asn; replaces aspartic acid 480 with asparagine.
Molecular consequence: missense variant. On other transcripts: non-coding transcript variant (1).
Genome position (GRCh38, 1-based): chr5:128,138,626, G>A. VCF-style: chr5-128138626-G-A. GRCh37 (hg19) VCF-style: chr5-127474318-G-A.
Other names: c.1438G>A, p.Asp480Asn (NM_001256461.2); short protein forms D480N.
Identifiers: ClinVar variation 2190374 (VCV002190374.4), dbSNP rs371131143, ClinGen allele CA3393124.